The following is an entry in ClinVar:

ClinVar aggregate classification (germline): Likely pathogenic (1 of 4 stars; one submission).

Conditions:
COL2A1-related disorder. Also called: COL2A1-related condition; COL2A1-related disorders.

Submission:

3billion
Classification: Likely pathogenic for COL2A1-related disorder. Last evaluated: 2025-02-13. Review status: criteria provided, single submitter. Criteria: ACMG Guidelines, 2015. Collection method: clinical testing. Allele origin: germline. Affected: yes.
Comment: The variant is not observed in the gnomAD v4.1.0 dataset. Predicted Consequence/Location: Frameshift: predicted to result in a loss or disruption of normal protein function through nonsense-mediated decay (NMD) or protein truncation. Multiple pathogenic variants are reported downstream of the variant. Therefore, this variant is classified as Likely pathogenic according to the recommendation of ACMG/AMP guideline.

NM_001844.5(COL2A1):c.3925del (p.Asp1309fs)

Gene: COL2A1 (collagen type II alpha 1 chain; minus strand). Cytogenetic location: 12q13.11.
Variant type: Deletion.
Coding change: c.3925del on transcript NM_001844.5 (MANE Select); coding-DNA position 3925, one base deleted (G; older notation c.3925delG).
Protein change: p.Asp1309fs; shifts the reading frame from aspartic acid 1309.
Molecular consequence: frameshift variant.
Genome position (GRCh38, 1-based): chr12:47,974,824, C deleted on the plus strand (G on the coding strand, the reverse complement: COL2A1 is on the minus strand); the first of 2 consecutive C bases (chr12:47,974,824-47,974,825); deleting either gives the same sequence. VCF-style (leftmost placement, unchanged base first): chr12-47974823-TC-T. GRCh37 (hg19) VCF-style: chr12-48368606-TC-T.
Other names: c.3718del, p.Asp1240fs (NM_033150.3); short protein forms D1240fs, D1309fs.
Identifiers: ClinVar variation 4293717 (VCV004293717.1).